The following is an entry in ClinVar:

ClinVar aggregate classification (germline): Conflicting classifications of pathogenicity. Review status: criteria provided, conflicting classifications (1 of 4 stars). 3 submissions from 3 submitters: Likely pathogenic (1); Uncertain significance (2). Last evaluated 2023-01-05.

Conditions:
Cardiomyopathy (CMYO). Also called: Cardiomyopathies. Identifiers: Orphanet 167848, MedGen C0878544, MONDO:0004994, HP:0001638. Inheritance: Various modes of inheritance.
Hypertrophic cardiomyopathy. Also called: HYPERTROPHIC MYOCARDIOPATHY. Identifiers: Orphanet 217569, MedGen C0007194, MeSH D002312, MONDO:0005045, HP:0001639.

Allele frequency attached by ClinVar (database versions not stated): TOPMed below 0.00001; gnomAD 0.00003.

Submissions (3):

CHEO Genetics Diagnostic Laboratory, Children's Hospital of Eastern Ontario
Classification: Uncertain significance for Cardiomyopathy. Last evaluated: 2023-01-05. Review status: criteria provided, single submitter. Criteria: ACMG Guidelines, 2015. Collection method: clinical testing. Allele origin: germline.

GeneDx
Classification: Likely pathogenic. Last evaluated: 2022-06-21. Review status: criteria provided, single submitter. Criteria: GeneDx Variant Classification Process June 2021. Collection method: clinical testing. Allele origin: germline. Affected: yes.
Comment: Not observed at significant frequency in large population cohorts (gnomAD); In silico analysis supports that this missense variant does not alter protein structure/function; Has not been previously published as pathogenic or benign to our knowledge; This variant is associated with the following publications: (PMID: 27532257, 29300372)

Labcorp Genetics (formerly Invitae), Labcorp
Classification: Uncertain significance for Hypertrophic cardiomyopathy. Last evaluated: 2021-10-21. Review status: criteria provided, single submitter. Criteria: Invitae Variant Classification Sherloc (09022015). Collection method: clinical testing. Allele origin: germline.
Comment: This variant has not been reported in the literature in individuals affected with MYH7-related conditions. This variant is found within a region of MYH7 between codons 181 and 937 that contains the majority of the myosin head domain. Missense variants in this region have been shown to be significantly overrepresented in individuals with hypertrophic cardiomyopathy (PMID: 27532257). In summary, the available evidence is currently insufficient to determine the role of this variant in disease. Therefore, it has been classified as a Variant of Uncertain Significance. Algorithms developed to predict the effect of missense changes on protein structure and function are either unavailable or do not agree on the potential impact of this missense change (SIFT: "Tolerated"; PolyPhen-2: "Probably Damaging"; Align-GVGD: "Class C0"). ClinVar contains an entry for this variant (Variation ID: 181321). This variant is not present in population databases (ExAC no frequency). This sequence change replaces lysine with arginine at codon 246 of the MYH7 protein (p.Lys246Arg). The lysine residue is highly conserved and there is a small physicochemical difference between lysine and arginine.

Literature cited by the submitters: PubMed 27532257 (cited by Labcorp Genetics (formerly Invitae), Labcorp).

NM_000257.4(MYH7):c.737A>G (p.Lys246Arg)

Gene: MYH7 (myosin heavy chain 7; minus strand). Cytogenetic location: 14q11.2.
Variant type: single nucleotide variant.
Coding change: c.737A>G on transcript NM_000257.4 (MANE Select); coding-DNA position 737, A replaced by G.
Protein change: p.Lys246Arg; replaces lysine 246 with arginine.
Molecular consequence: missense variant.
Genome position (GRCh38, 1-based): chr14:23,431,477, T>C on the plus strand (A>G on the coding strand, the complement: MYH7 is on the minus strand). VCF-style: chr14-23431477-T-C. GRCh37 (hg19) VCF-style: chr14-23900686-T-C.
Other names: p.K246R:AAA>AGA; c.737A>G (LRG_384t1); short protein forms K246R.
Identifiers: ClinVar variation 181321 (VCV000181321.14), dbSNP rs730880851, ClinGen allele CA016736.